The following is an entry in ClinVar:

ClinVar aggregate classification (germline): Uncertain significance (1 of 4 stars; one submission).

Submission:

Labcorp Genetics (formerly Invitae), Labcorp
Classification: Uncertain significance. Last evaluated: 2023-04-28. Review status: criteria provided, single submitter. Criteria: Invitae Variant Classification Sherloc (09022015). Collection method: clinical testing. Allele origin: germline.
Comment: In summary, the available evidence is currently insufficient to determine the role of this variant in disease. Therefore, it has been classified as a Variant of Uncertain Significance. An algorithm developed to predict the effect of missense changes on protein structure and function (PolyPhen-2) suggests that this variant is likely to be disruptive. This variant has not been reported in the literature in individuals affected with LYN-related conditions. This variant is not present in population databases (gnomAD no frequency). This sequence change replaces asparagine, which is neutral and polar, with threonine, which is neutral and polar, at codon 416 of the LYN protein (p.Asn416Thr).

NM_002350.4(LYN):c.1247A>C (p.Asn416Thr)

Gene: LYN (LYN proto-oncogene, Src family tyrosine kinase; plus strand). Cytogenetic location: 8q12.1.
Variant type: single nucleotide variant.
Coding change: c.1247A>C on transcript NM_002350.4 (MANE Select); coding-DNA position 1247, A replaced by C.
Protein change: p.Asn416Thr; replaces asparagine 416 with threonine.
Molecular consequence: missense variant.
Genome position (GRCh38, 1-based): chr8:55,999,460, A>C. VCF-style: chr8-55999460-A-C. GRCh37 (hg19) VCF-style: chr8-56912019-A-C.
Other names: c.1184A>C, p.Asn395Thr (NM_001111097.3); short protein forms N395T, N416T.
Identifiers: ClinVar variation 2857871 (VCV002857871.3), dbSNP rs1808458998, ClinGen allele CA371288656.